The following is an entry in ClinVar:

ClinVar aggregate classification (germline): Uncertain significance (1 of 4 stars; one submission).

Submission:

GeneDx
Classification: Uncertain significance. Last evaluated: 2023-04-24. Review status: criteria provided, single submitter. Criteria: GeneDx Variant Classification Process June 2021. Collection method: clinical testing. Allele origin: germline. Affected: yes.
Comment: In-frame insertion of 1 amino acids in a non-repeat region; Not observed at significant frequency in large population cohorts (gnomAD); In silico analysis supports a deleterious effect on protein structure/function; Has not been previously published as pathogenic or benign to our knowledge

NM_001958.5(EEF1A2):c.287_289dup (p.Arg96_Asp97insGly)

Gene: EEF1A2 (eukaryotic translation elongation factor 1 alpha 2; minus strand). Cytogenetic location: 20q13.33.
Variant type: Duplication.
Coding change: c.287_289dup on transcript NM_001958.5 (MANE Select); coding-DNA positions 287 to 289, 3 bases duplicated (GCG; older notation c.287_289dupGCG).
Protein change: p.Arg96_Asp97insGly.
Molecular consequence: inframe insertion.
Genome position (GRCh38, 1-based): chr20:63,495,891-63,495,893, CGC duplicated on the plus strand (GCG on the coding strand, the reverse complement: EEF1A2 is on the minus strand). VCF-style (leftmost placement, unchanged base first): chr20-63495890-T-TCGC. GRCh37 (hg19) VCF-style: chr20-62127243-T-TCGC.
Identifiers: ClinVar variation 2663714 (VCV002663714.1), dbSNP rs2516784565, ClinGen allele CA2695201422.